The following is an entry in ClinVar:

NM_001875.5(CPS1):c.1312G>C (p.Ala438Pro)

Gene: CPS1 (carbamoyl-phosphate synthase 1; plus strand). Cytogenetic location: 2q34.
Variant type: single nucleotide variant.
Coding change: c.1312G>C on transcript NM_001875.5 (MANE Select); coding-DNA position 1312, G replaced by C.
Protein change: p.Ala438Pro; replaces alanine 438 with proline.
Molecular consequence: missense variant. On other transcripts: non-coding transcript variant (2).
Genome position (GRCh38, 1-based): chr2:210,595,535, G>C. VCF-style: chr2-210595535-G-C. GRCh37 (hg19) VCF-style: chr2-211460259-G-C.
Other names: c.1312G>C (LRG_336t1); c.1312G>C, p.Ala438Pro (NM_001122633.3, NM_001369257.1); c.1345G>C, p.Ala449Pro (NM_001369256.1); short protein forms A438P, A449P.
Identifiers: ClinVar variation 449391 (VCV000449391.12), dbSNP rs772497399, ClinGen allele CA350433135.

ClinVar aggregate classification (germline): Likely pathogenic. Review status: criteria provided, multiple submitters, no conflicts (2 of 4 stars). 6 submissions from 6 submitters: Likely pathogenic (6). Last evaluated 2025-12-11.

Conditions:
Congenital hyperammonemia, type I. Also called: CPS I DEFICIENCY; Carbamoyl phosphate synthetase 1 deficiency; Hyperammonemia due to carbamoyl phosphate synthetase 1 deficiency; CPS 1 deficiency; Carbamyl phosphate synthetase (CPS) deficiency; Carbamoyl-phosphate synthase I deficiency. Identifiers: Orphanet 147, MedGen C4082171, MONDO:0009376, OMIM 237300.
Pulmonary hypertension, neonatal, susceptibility to (PHN). Identifiers: MedGen C3714958, MONDO:0014151, OMIM 615371.

Allele frequency attached by ClinVar (database versions not stated): TOPMed 0.00001.
gnomAD v4.1: 8 of 1,611,620 alleles (0.0005%); highest among the groups gnomAD compares: East Asian, 0.0022%; no homozygotes.

Submissions (6):

Natera, Inc.
Classification: Likely pathogenic for Carbamoyl-phosphate synthase I deficiency. Last evaluated: 2025-12-11. Review status: criteria provided, single submitter. Criteria: Natera Variant Classification Schema (03/2026). Collection method: clinical testing. Allele origin: germline.
Comment: The c.1312G>C variant in CPS1 is a missense variant predicted to cause substitution of alanine to proline at amino acid 438. This variant is rare in the general population with a frequency below the threshold expected for the associated phenotype(s). This variant has been observed in one or more individuals affected with the associated recessive disease, as either homozygous or compound heterozygous with a second variant (PMID: 33309754, 17310273). This variant has been identified in one or more affected individuals with a phenotype highly consistent with the associated gene (PMID: 17310273). Computational prediction algorithms indicate this variant is likely to affect gene or protein function. Given the available evidence, this variant is classified as Likely Pathogenic.

Baylor Genetics
Classification: Likely pathogenic for Pulmonary hypertension, neonatal, susceptibility to. Last evaluated: 2023-05-30. Review status: criteria provided, single submitter. Criteria: ACMG Guidelines, 2015. Collection method: clinical testing. Allele origin: unknown.

Labcorp Genetics (formerly Invitae), Labcorp
Classification: Likely pathogenic for Congenital hyperammonemia, type I. Last evaluated: 2023-05-05. Review status: criteria provided, single submitter. Criteria: Invitae Variant Classification Sherloc (09022015). Collection method: clinical testing. Allele origin: germline.
Comment: This variant is not present in population databases (gnomAD no frequency). In summary, the currently available evidence indicates that the variant is pathogenic, but additional data are needed to prove that conclusively. Therefore, this variant has been classified as Likely Pathogenic. Experimental studies have shown that this missense change affects CPS1 function (PMID: 23649895). Advanced modeling of protein sequence and biophysical properties (such as structural, functional, and spatial information, amino acid conservation, physicochemical variation, residue mobility, and thermodynamic stability) has been performed at Invitae for this missense variant, however the output from this modeling did not meet the statistical confidence thresholds required to predict the impact of this variant on CPS1 protein function. ClinVar contains an entry for this variant (Variation ID: 449391). This missense change has been observed in individuals with carbamoyl phosphate synthetase deficiency (PMID: 17310273, 23649895; Invitae). This sequence change replaces alanine, which is neutral and non-polar, with proline, which is neutral and non-polar, at codon 438 of the CPS1 protein (p.Ala438Pro).

Women's Health and Genetics/Laboratory Corporation of America, LabCorp
Classification: Likely pathogenic for Congenital hyperammonemia, type I. Last evaluated: 2023-02-17. Review status: criteria provided, single submitter. Criteria: LabCorp Variant Classification Summary - May 2015. Collection method: clinical testing. Allele origin: germline.
Comment: Variant summary: CPS1 c.1312G>C (p.Ala438Pro) results in a non-conservative amino acid change located in the Carbamoyl-phosphate synthase large subunit, CPSase domain (IPR005483) of the encoded protein sequence. Four of four in-silico tools predict a damaging effect of the variant on protein function. The variant was absent in 250618 control chromosomes (gnomAD). c.1312G>C has been reported in the literature in one individual affected with Carbamoylphosphate Synthetase I Deficiency (Kurokawa_2007). At least one publication reports experimental evidence evaluating an impact on protein function showing an almost undetectable level of enzyme activity and decreased thermostability (Diez-Fernandez_2013). Three clinical diagnostic laboratories have submitted clinical-significance assessments for this variant to ClinVar after 2014 without evidence for independent evaluation. All laboratories classified the variant as likely pathogenic. Based on the evidence outlined above, the variant was classified as likely pathogenic.

Fulgent Genetics
Classification: Likely pathogenic for Congenital hyperammonemia, type I; Pulmonary hypertension, neonatal, susceptibility to. Last evaluated: 2021-11-19. Review status: criteria provided, single submitter. Criteria: ACMG Guidelines, 2015. Collection method: clinical testing. Allele origin: unknown.

GeneDx
Classification: Likely pathogenic. Last evaluated: 2017-08-29. Review status: criteria provided, single submitter. Criteria: GeneDx Variant Classification (06012015). Collection method: clinical testing. Allele origin: germline. Affected: yes.
Comment: The A438P variant in the CPS1 gene has previously been reported in association with CPS1 deficiency in an individual who was also heterozygous for a second variant in CPS1, although the phase of these variants was not reported (Kurokawa et al., 2007). Functional analysis of A438P found that it is associated with significantly reduced enzyme activity (Diez-Fernandez et al., 2013). The A438P variant is not observed in large population cohorts (Lek et al., 2016; 1000 Genomes Consortium et al., 2015; Exome Variant Server). The A438P variant is a semi-conservative amino acid substitution, which may impact secondary protein structure as these residues differ in some properties. This substitution occurs at a position that is conserved across species. In silico analysis predicts this variant is probably damaging to the protein structure/function. In summary, we interpret A438P to be a likely pathogenic variant.

Literature cited by the submitters: PubMed 33309754 (cited by Natera, Inc.); PubMed 17310273 (cited by 3 submitters); PubMed 23649895 (cited by Labcorp Genetics (formerly Invitae), Labcorp and Women's Health and Genetics/Laboratory Corporation of America, LabCorp).